The following is an entry in ClinVar:

NM_000321.3(RB1):c.1417T>A (p.Phe473Ile)

Gene: RB1 (RB transcriptional corepressor 1; plus strand). Cytogenetic location: 13q14.2.
Variant type: single nucleotide variant.
Coding change: c.1417T>A on transcript NM_000321.3 (MANE Select); coding-DNA position 1417, T replaced by A.
Protein change: p.Phe473Ile; replaces phenylalanine 473 with isoleucine.
Molecular consequence: missense variant.
Genome position (GRCh38, 1-based): chr13:48,380,080, T>A. VCF-style: chr13-48380080-T-A. GRCh37 (hg19) VCF-style: chr13-48954216-T-A.
Other names: c.1417T>A, p.Phe473Ile (NM_001407165.1, NM_001407166.1); short protein forms F473I.
Identifiers: ClinVar variation 3943330 (VCV003943330.1).

ClinVar aggregate classification (germline): Uncertain significance (1 of 4 stars; one submission).

Conditions:
Hereditary cancer-predisposing syndrome. Also called: Tumor predisposition; Hereditary neoplastic syndrome; Hereditary Cancer Syndrome; Neoplastic Syndromes, Hereditary. Identifiers: Orphanet 140162, MedGen C0027672, MeSH D009386, MONDO:0015356.

Submission:

Ambry Genetics
Classification: Uncertain significance for Hereditary cancer-predisposing syndrome. Last evaluated: 2025-03-20. Review status: criteria provided, single submitter. Criteria: Ambry Variant Classification Scheme 2023. Collection method: clinical testing. Allele origin: germline.
Comment: The p.F473I variant (also known as c.1417T>A), located in coding exon 15 of the RB1 gene, results from a T to A substitution at nucleotide position 1417. The phenylalanine at codon 473 is replaced by isoleucine, an amino acid with highly similar properties. This amino acid position is conserved. In addition, this alteration is predicted to be deleterious by in silico analysis. Based on the available evidence, the clinical significance of this variant remains unclear.